The following is an entry in ClinVar:

ClinVar aggregate classification (germline): Likely pathogenic (1 of 4 stars; one submission).

Conditions:
Dilated cardiomyopathy 1KK (CMD1KK). Identifiers: Orphanet 154, Orphanet 75249, MedGen C3714995, MONDO:0014100, OMIM 615248.

Submission:

Labcorp Genetics (formerly Invitae), Labcorp
Classification: Likely pathogenic for Dilated cardiomyopathy 1KK. Last evaluated: 2023-09-23. Review status: criteria provided, single submitter. Criteria: Invitae Variant Classification Sherloc (09022015). Collection method: clinical testing. Allele origin: unknown.
Comment: This variant results in a copy number gain of the genomic region encompassing exon(s) 3-5 of the MYPN gene. While the exact position of this variant cannot be determined from the data, sub-genic copy number gains are generally in tandem (PMID: 25640679). This variant is predicted to be out-of-frame, and may result in an absent or disrupted protein product. Loss-of-function variants in MYPN are known to be pathogenic (PMID: 28017374). This variant has not been reported in the literature in individuals affected with MYPN-related conditions. In summary, the currently available evidence indicates that the variant is pathogenic, but additional data are needed to prove that conclusively. Therefore, this variant has been classified as Likely Pathogenic.

Literature cited by the submitters: PubMed 25640679; PubMed 28017374.

NC_000010.10:g.(?_69902677)_(69908244_?)dup

Gene: MYPN (myopalladin; plus strand). Cytogenetic location: 10q21.3.
Variant type: Duplication.
Identifiers: ClinVar variation 3244921 (VCV003244921.1).